The following is an entry in ClinVar:

NM_000111.3(SLC26A3):c.814G>T (p.Val272Leu)

Gene: SLC26A3 (solute carrier family 26 member 3; minus strand). Cytogenetic location: 7q22.3.
Variant type: single nucleotide variant.
Coding change: c.814G>T on transcript NM_000111.3 (MANE Select); coding-DNA position 814, G replaced by T.
Protein change: p.Val272Leu; replaces valine 272 with leucine.
Molecular consequence: missense variant.
Genome position (GRCh38, 1-based): chr7:107,787,431, C>A on the plus strand (G>T on the coding strand, the complement: SLC26A3 is on the minus strand). VCF-style: chr7-107787431-C-A. GRCh37 (hg19) VCF-style: chr7-107427876-C-A.
Other names: short protein forms V272L.
Identifiers: ClinVar variation 1382115 (VCV001382115.3), dbSNP rs758230257, ClinGen allele CA4434024.

ClinVar aggregate classification (germline): Uncertain significance (1 of 4 stars; one submission).

Allele frequency attached by ClinVar (database versions not stated): ExAC 0.00001.
gnomAD v4.1: 10 of 1,613,886 alleles (0.00062%); highest among the groups gnomAD compares: Non-Finnish European, 0.00085%; no homozygotes.

Submission:

Labcorp Genetics (formerly Invitae), Labcorp
Classification: Uncertain significance. Last evaluated: 2022-10-24. Review status: criteria provided, single submitter. Criteria: Invitae Variant Classification Sherloc (09022015). Collection method: clinical testing. Allele origin: germline.
Comment: This sequence change replaces valine, which is neutral and non-polar, with leucine, which is neutral and non-polar, at codon 272 of the SLC26A3 protein (p.Val272Leu). This variant is present in population databases (rs758230257, gnomAD 0.0009%). This variant has not been reported in the literature in individuals affected with SLC26A3-related conditions. ClinVar contains an entry for this variant (Variation ID: 1382115). Advanced modeling of protein sequence and biophysical properties (such as structural, functional, and spatial information, amino acid conservation, physicochemical variation, residue mobility, and thermodynamic stability) performed at Invitae indicates that this missense variant is not expected to disrupt SLC26A3 protein function. Algorithms developed to predict the effect of sequence changes on RNA splicing suggest that this variant may disrupt the consensus splice site. In summary, the available evidence is currently insufficient to determine the role of this variant in disease. Therefore, it has been classified as a Variant of Uncertain Significance.